The following is an entry in ClinVar:

NM_015459.5(ATL3):c.714dup (p.Lys239fs)

Genes: ATL3 (atlastin GTPase 3; minus strand), LNCROPM (lncRNA regulator of PLAAT3 mediated phospholipid metabolism; plus strand). Cytogenetic location: 11q13.1.
Variant type: Duplication.
Coding change: c.714dup on transcript NM_015459.5 (MANE Select); coding-DNA position 714, one base duplicated (G; older notation c.714dupG).
Protein change: p.Lys239fs; shifts the reading frame from lysine 239.
Molecular consequence: frameshift variant.
Genome position (GRCh38, 1-based): chr11:63,643,493, C duplicated on the plus strand (G on the coding strand, the reverse complement: ATL3 is on the minus strand). VCF-style (leftmost placement, unchanged base first): chr11-63643492-T-TC. GRCh37 (hg19) VCF-style: chr11-63410964-T-TC.
Other names: c.660dup, p.Lys221fs (NM_001290048.2); short protein forms K221fs, K239fs.
Identifiers: ClinVar variation 2802162 (VCV002802162.3), dbSNP rs2495655055, ClinGen allele CA2739270471.

ClinVar aggregate classification (germline): Uncertain significance (1 of 4 stars; one submission).

Conditions:
Neuropathy, hereditary sensory, type 1F. Also called: HSN IF; Hereditary sensory neuropathy type IF. Identifiers: Orphanet 36386, MedGen C3810194, MONDO:0014286, OMIM 615632.

Submission:

Labcorp Genetics (formerly Invitae), Labcorp
Classification: Uncertain significance for Neuropathy, hereditary sensory, type 1F. Last evaluated: 2023-06-08. Review status: criteria provided, single submitter. Criteria: Invitae Variant Classification Sherloc (09022015). Collection method: clinical testing. Allele origin: germline.
Comment: In summary, the available evidence is currently insufficient to determine the role of this variant in disease. Therefore, it has been classified as a Variant of Uncertain Significance. This variant has not been reported in the literature in individuals affected with ATL3-related conditions. This variant is not present in population databases (gnomAD no frequency). This sequence change creates a premature translational stop signal (p.Lys239Glufs*6) in the ATL3 gene. It is expected to result in an absent or disrupted protein product. However, the current clinical and genetic evidence is not sufficient to establish whether loss-of-function variants in ATL3 cause disease.